The following is an entry in ClinVar:

NM_004656.4(BAP1):c.38-8C>T

Gene: BAP1 (BRCA1 associated deubiquitinase 1; minus strand). Cytogenetic location: 3p21.1.
Variant type: single nucleotide variant.
Coding change: c.38-8C>T on transcript NM_004656.4 (MANE Select); 8 bases into the intron before coding-DNA position 38, C replaced by T.
Molecular consequence: intron variant.
Genome position (GRCh38, 1-based): chr3:52,409,751, G>A on the plus strand (C>T on the coding strand, the complement: BAP1 is on the minus strand). VCF-style: chr3-52409751-G-A. GRCh37 (hg19) VCF-style: chr3-52443767-G-A.
Identifiers: ClinVar variation 1617124 (VCV001617124.9), dbSNP rs1705308146, ClinGen allele CA1364846534.

ClinVar aggregate classification (germline): Likely benign. Review status: criteria provided, multiple submitters, no conflicts (2 of 4 stars). 2 submissions from 2 submitters: Likely benign (2). Last evaluated 2025-07-29.

Conditions:
BAP1-related tumor predisposition syndrome (TPDS1). Also called: TUMOR PREDISPOSITION SYNDROME 1; COMMON Syndrome; BAP1 tumor predisposition syndrome; Tumor susceptibility linked to germline BAP1 mutations. Identifiers: Orphanet 289539, MedGen C3280492, MONDO:0013692, OMIM 614327.

Allele frequency attached by ClinVar (database versions not stated): TOPMed below 0.00001; gnomAD exomes 0.00001.

Submissions (2):

Labcorp Genetics (formerly Invitae), Labcorp
Classification: Likely benign for BAP1-related tumor predisposition syndrome. Last evaluated: 2025-07-29. Review status: criteria provided, single submitter. Criteria: Invitae Variant Classification Sherloc (09022015). Collection method: clinical testing. Allele origin: germline.

Myriad Genetics, Inc.
Classification: Likely benign for BAP1-related tumor predisposition syndrome. Last evaluated: 2024-07-11. Review status: criteria provided, single submitter. Criteria: Myriad Autosomal Dominant, Autosomal Recessive and X-Linked Classification Criteria (2023). Collection method: clinical testing. Allele origin: unknown.
Comment: This variant is considered likely benign. This variant is intronic and is not expected to impact mRNA splicing.